The following is an entry in ClinVar:

ClinVar aggregate classification (germline): Likely benign. Review status: criteria provided, multiple submitters, no conflicts (2 of 4 stars). 3 submissions from 3 submitters: Likely benign (2). 1 of the submissions does not count toward it. Last evaluated 2025-12-15.

Conditions:
NDUFB8-related disorder. Also called: NDUFB8-related condition.

Allele frequency attached by ClinVar (database versions not stated): TOPMed 0.00008; ExAC 0.00009; gnomAD 0.00009 and 0.00010; gnomAD exomes 0.00009; ESP Exome Variant Server 0.00023; 1000 Genomes Project 30x 0.00031; 1000 Genomes Project 0.00040.
gnomAD v4.1: 247 of 1,595,708 alleles (0.015%); highest among the groups gnomAD compares: Non-Finnish European, 0.02%; no homozygotes.

Submissions (3):

Labcorp Genetics (formerly Invitae), Labcorp
Classification: Likely benign. Last evaluated: 2025-12-15. Review status: criteria provided, single submitter. Criteria: Invitae Variant Classification Sherloc (09022015). Collection method: clinical testing. Allele origin: germline.

Blueprint Genetics
Classification: Likely benign. Last evaluated: 2024-10-29. Review status: criteria provided, single submitter. Criteria: ACMG Guidelines, 2015. Collection method: clinical testing. Allele origin: germline.

PreventionGenetics, part of Exact Sciences
Classification: Likely benign for NDUFB8-related condition. Last evaluated: 2019-11-13. Review status: no assertion criteria provided. Collection method: clinical testing. Allele origin: germline. Not counted in ClinVar's aggregate classification.
Comment: This variant is classified as likely benign based on ACMG/AMP sequence variant interpretation guidelines (Richards et al. 2015 PMID: 25741868, with internal and published modifications).

NM_005004.4(NDUFB8):c.212+8A>G

Gene: NDUFB8 (NADH:ubiquinone oxidoreductase subunit B8; minus strand). Cytogenetic location: 10q24.31.
Variant type: single nucleotide variant.
Coding change: c.212+8A>G on transcript NM_005004.4 (MANE Select); 8 bases into the intron after coding-DNA position 212, A replaced by G.
Molecular consequence: intron variant.
Genome position (GRCh38, 1-based): chr10:100,529,372, T>C on the plus strand (A>G on the coding strand, the complement: NDUFB8 is on the minus strand). VCF-style: chr10-100529372-T-C. GRCh37 (hg19) VCF-style: chr10-102289129-T-C.
Other names: c.212+8A>G (NM_005004.3, NM_001284367.2); c.119+8A>G (NM_001284368.1).
Identifiers: ClinVar variation 1552382 (VCV001552382.11), dbSNP rs145628277, ClinGen allele CA5650228.